The following is an entry in ClinVar:

ClinVar aggregate classification (germline): Uncertain significance (1 of 4 stars; one submission).

Conditions:
ACTN2-related disorder. Also called: ACTN2-related disorders; ACTN2 related condition.

Submission:

PreventionGenetics, part of Exact Sciences
Classification: Uncertain significance for ACTN2-related condition. Last evaluated: 2023-08-27. Review status: criteria provided, single submitter. Criteria: ACMG Guidelines, 2015. Collection method: clinical testing. Allele origin: germline.
Comment: The ACTN2 c.2041T>C variant is predicted to result in the amino acid substitution p.Tyr681His. To our knowledge, this variant has not been reported in the literature or in a large population database, indicating this variant is rare. At this time, the clinical significance of this variant is uncertain due to the absence of conclusive functional and genetic evidence.

NM_001103.4(ACTN2):c.2041T>C (p.Tyr681His)

Gene: ACTN2 (actinin alpha 2; plus strand). Cytogenetic location: 1q43.
Variant type: single nucleotide variant.
Coding change: c.2041T>C on transcript NM_001103.4 (MANE Select); coding-DNA position 2041, T replaced by C.
Protein change: p.Tyr681His; replaces tyrosine 681 with histidine.
Molecular consequence: missense variant. On other transcripts: non-coding transcript variant (1).
Genome position (GRCh38, 1-based): chr1:236,755,085, T>C. VCF-style: chr1-236755085-T-C. GRCh37 (hg19) VCF-style: chr1-236918385-T-C.
Other names: c.2041T>C, p.Tyr681His (NM_001278343.2); c.1417T>C, p.Tyr473His (NM_001278344.2); c.1291T>C, p.Tyr431His (NM_001412150.1); short protein forms Y431H, Y473H, Y681H.
Identifiers: ClinVar variation 2631051 (VCV002631051.1), dbSNP rs2527647118, ClinGen allele CA345387529.